The following is an entry in ClinVar:

ClinVar aggregate classification (germline): Uncertain significance (1 of 4 stars; one submission).

Allele frequency attached by ClinVar (database versions not stated): gnomAD exomes below 0.00001.
gnomAD v4.1: 1 of 1,613,216 alleles (0.000062%); highest among the groups gnomAD compares: Non-Finnish European, 0.000085%; no homozygotes.

Submission:

GeneDx
Classification: Uncertain significance. Last evaluated: 2022-08-18. Review status: criteria provided, single submitter. Criteria: GeneDx Variant Classification Process June 2021. Collection method: clinical testing. Allele origin: germline. Affected: yes.
Comment: Not observed at significant frequency in large population cohorts (gnomAD); In silico analysis supports that this missense variant does not alter protein structure/function; Has not been previously published as pathogenic or benign to our knowledge

NM_003922.4(HERC1):c.4991T>G (p.Leu1664Trp)

Gene: HERC1 (HECT and RLD domain containing E3 ubiquitin protein ligase family member 1; minus strand). Cytogenetic location: 15q22.31.
Variant type: single nucleotide variant.
Coding change: c.4991T>G on transcript NM_003922.4 (MANE Select); coding-DNA position 4991, T replaced by G.
Protein change: p.Leu1664Trp; replaces leucine 1664 with tryptophan.
Molecular consequence: missense variant.
Genome position (GRCh38, 1-based): chr15:63,696,254, A>C on the plus strand (T>G on the coding strand, the complement: HERC1 is on the minus strand). VCF-style: chr15-63696254-A-C. GRCh37 (hg19) VCF-style: chr15-63988453-A-C.
Other names: short protein forms L1664W.
Identifiers: ClinVar variation 2430930 (VCV002430930.1), dbSNP rs2551496827, ClinGen allele CA392749594.